The following is an entry in ClinVar:

ClinVar aggregate classification (germline): Uncertain significance (1 of 4 stars; one submission).

gnomAD v4.1: 2 of 1,614,178 alleles (0.00012%); highest among the groups gnomAD compares: East Asian, 0.0022%; no homozygotes.

Submission:

Ambry Genetics
Classification: Uncertain significance. Last evaluated: 2024-06-21. Review status: criteria provided, single submitter. Criteria: Ambry Variant Classification Scheme 2023. Collection method: clinical testing. Allele origin: germline.
Comment: The p.E1071K variant (also known as c.3211G>A), located in coding exon 4 of the ALPK2 gene, results from a G to A substitution at nucleotide position 3211. The glutamic acid at codon 1071 is replaced by lysine, an amino acid with similar properties. This amino acid position is conserved. In addition, this alteration is predicted to be tolerated by in silico analysis. Since supporting evidence is limited at this time, the clinical significance of this alteration remains unclear.

NM_052947.4(ALPK2):c.3211G>A (p.Glu1071Lys)

Gene: ALPK2 (alpha kinase 2; minus strand). Cytogenetic location: 18q21.31.
Variant type: single nucleotide variant.
Coding change: c.3211G>A on transcript NM_052947.4 (MANE Select); coding-DNA position 3211, G replaced by A.
Protein change: p.Glu1071Lys; replaces glutamic acid 1071 with lysine.
Molecular consequence: missense variant.
Genome position (GRCh38, 1-based): chr18:58,536,976, C>T on the plus strand (G>A on the coding strand, the complement: ALPK2 is on the minus strand). VCF-style: chr18-58536976-C-T. GRCh37 (hg19) VCF-style: chr18-56204208-C-T.
Other names: short protein forms E1071K.
Identifiers: ClinVar variation 1728942 (VCV001728942.3), dbSNP rs144840598, ClinGen allele CA402568866.
Genomic context (GRCh38, chr18:58,536,976, plus strand): 5'-CTGGGAGCTGCAGGACATGGTGTGGGACTCCTGGCACACTGGGTGCCCTGCAAAGTAGCT[C>T]TTTTGTAGATTTGATGGTAGCACCACTTAAAATATGATCCAACTGCACTTGGGAAGGAAA-3'
Protein context (NP_443179.3, residues 1061-1081): LSGATIKSTK[Glu1071Lys]LLCRAPSVPG